The following is an entry in ClinVar:

NM_001330260.2(SCN8A):c.4124A>C (p.Glu1375Ala)

Gene: SCN8A (sodium voltage-gated channel alpha subunit 8; plus strand). Cytogenetic location: 12q13.13.
Variant type: single nucleotide variant.
Coding change: c.4124A>C on transcript NM_001330260.2 (MANE Select); coding-DNA position 4124, A replaced by C.
Protein change: p.Glu1375Ala; replaces glutamic acid 1375 with alanine.
Molecular consequence: missense variant.
Genome position (GRCh38, 1-based): chr12:51,786,723, A>C. VCF-style: chr12-51786723-A-C. GRCh37 (hg19) VCF-style: chr12-52180507-A-C.
Other names: c.4001A>C, p.Glu1334Ala (NM_001177984.3, NM_001369788.1); c.4124A>C, p.Glu1375Ala (NM_014191.4); short protein forms E1334A, E1375A.
Identifiers: ClinVar variation 3372047 (VCV003372047.1).

ClinVar aggregate classification (germline): Uncertain significance (1 of 4 stars; one submission).

Submission:

GeneDx
Classification: Uncertain significance. Last evaluated: 2024-04-08. Review status: criteria provided, single submitter. Criteria: GeneDx Variant Classification Process June 2021. Collection method: clinical testing. Allele origin: germline. Affected: yes.
Comment: Not observed at significant frequency in large population cohorts (gnomAD); In silico analysis supports that this missense variant has a deleterious effect on protein structure/function; Has not been previously published as pathogenic or benign to our knowledge; This substitution is predicted to be within the extracellular loop between the S5 and S6 transmembrane segments of the third homologous domain.